The following is an entry in ClinVar:

ClinVar aggregate classification (germline): Likely benign. Review status: criteria provided, multiple submitters, no conflicts (2 of 4 stars). 2 submissions from 2 submitters: Likely benign (2). Last evaluated 2023-12-28.

Submissions (2):

Labcorp Genetics (formerly Invitae), Labcorp
Classification: Likely benign. Last evaluated: 2023-12-28. Review status: criteria provided, single submitter. Criteria: Invitae Variant Classification Sherloc (09022015). Collection method: clinical testing. Allele origin: germline.

GeneDx
Classification: Likely benign. Last evaluated: 2016-02-12. Review status: criteria provided, single submitter. Criteria: GeneDx Variant Classification (06012015). Collection method: clinical testing. Allele origin: germline. Affected: yes.
Comment: This variant is considered likely benign or benign based on one or more of the following criteria: it is a conservative change, it occurs at a poorly conserved position in the protein, it is predicted to be benign by multiple in silico algorithms, and/or has population frequency not consistent with disease.

NM_032620.4(GTPBP3):c.303T>C (p.Gly101=)

Gene: GTPBP3 (GTP binding protein 3, mitochondrial; plus strand). Cytogenetic location: 19p13.11.
Variant type: single nucleotide variant.
Coding change: c.303T>C on transcript NM_032620.4 (MANE Select); coding-DNA position 303, T replaced by C.
Protein change: p.Gly101=; no amino-acid change (glycine 101 retained).
Molecular consequence: synonymous variant.
Genome position (GRCh38, 1-based): chr19:17,338,366, T>C. VCF-style: chr19-17338366-T-C. GRCh37 (hg19) VCF-style: chr19-17449175-T-C.
Other names: c.303T>C, p.Gly101= (NM_001128855.3, NM_133644.4); c.369T>C, p.Gly123= (NM_001195422.1).
Identifiers: ClinVar variation 383292 (VCV000383292.4), dbSNP rs1057521577, ClinGen allele CA16608972.